The following is an entry in ClinVar:

NM_024577.4(SH3TC2):c.1468T>C (p.Ser490Pro)

Gene: SH3TC2 (SH3 domain and tetratricopeptide repeats 2; minus strand). Cytogenetic location: 5q32.
Variant type: single nucleotide variant.
Coding change: c.1468T>C on transcript NM_024577.4 (MANE Select); coding-DNA position 1468, T replaced by C.
Protein change: p.Ser490Pro; replaces serine 490 with proline.
Molecular consequence: missense variant.
Genome position (GRCh38, 1-based): chr5:149,028,264, A>G on the plus strand (T>C on the coding strand, the complement: SH3TC2 is on the minus strand). VCF-style: chr5-149028264-A-G. GRCh37 (hg19) VCF-style: chr5-148407827-A-G.
Other names: short protein forms S490P.
Identifiers: ClinVar variation 1010720 (VCV001010720.10), dbSNP rs372841815, ClinGen allele CA361668457.
Genomic context (GRCh38, chr5:149,028,264, plus strand): 5'-AGGCCACAAACTCATCCTCCTCAGAGAAGCTATAAAAGGAAGAAGTGAGGAAAGAGAAGG[A>G]GAAGTCATAGAGACTCTTAAAGTGGTCAGCATAACCCTCATGATCCAGAAAAGCCAATAT-3'
Protein context (NP_078853.2, residues 480-500): ADHFKSLYDF[Ser490Pro]FSFLTSSFYS

ClinVar aggregate classification (germline): Uncertain significance (1 of 4 stars; one submission).

Conditions:
Charcot-Marie-Tooth disease type 4. Also called: Charcot-Marie-Tooth disease, type IV; Charcot-Marie-Tooth, Type 4. Identifiers: Orphanet 64749, MedGen C4082197, MONDO:0018995.

Submission:

Labcorp Genetics (formerly Invitae), Labcorp
Classification: Uncertain significance for Charcot-Marie-Tooth disease type 4. Last evaluated: 2022-03-17. Review status: criteria provided, single submitter. Criteria: Invitae Variant Classification Sherloc (09022015). Collection method: clinical testing. Allele origin: germline.
Comment: This variant has not been reported in the literature in individuals affected with SH3TC2-related conditions. This variant is not present in population databases (gnomAD no frequency). This sequence change replaces serine, which is neutral and polar, with proline, which is neutral and non-polar, at codon 490 of the SH3TC2 protein (p.Ser490Pro). ClinVar contains an entry for this variant (Variation ID: 1010720). In summary, the available evidence is currently insufficient to determine the role of this variant in disease. Therefore, it has been classified as a Variant of Uncertain Significance. Advanced modeling of protein sequence and biophysical properties (such as structural, functional, and spatial information, amino acid conservation, physicochemical variation, residue mobility, and thermodynamic stability) performed at Invitae indicates that this missense variant is not expected to disrupt SH3TC2 protein function.